The following is an entry in ClinVar:

ClinVar aggregate classification (germline): Uncertain significance (1 of 4 stars; one submission).

Conditions:
Cardiomyopathy (CMYO). Also called: Cardiomyopathies. Identifiers: Orphanet 167848, MedGen C0878544, MONDO:0004994, HP:0001638. Inheritance: Various modes of inheritance.

gnomAD v4.1: 1 of 1,613,998 alleles (0.000062%); highest among the groups gnomAD compares: Non-Finnish European, 0.000085%; no homozygotes.

Submission:

Color Diagnostics, LLC DBA Color Health
Classification: Uncertain significance for Cardiomyopathy. Last evaluated: 2025-10-12. Review status: criteria provided, single submitter. Criteria: ACMG Guidelines, 2015. Collection method: clinical testing. Allele origin: germline.
Comment: This missense variant replaces methionine with valine at codon 618 of the DSG2 protein. Computational prediction suggests that this variant may not impact protein structure and function. To our knowledge, functional studies have not been reported for this variant. This variant has not been reported in individuals affected with DSG2-related disorders in the literature. This variant has been identified in 1/1461672 chromosomes in the general population by the Genome Aggregation Database (gnomAD). The available evidence is insufficient to determine the role of this variant in disease conclusively. Therefore, this variant is classified as a Variant of Uncertain Significance.

NM_001943.5(DSG2):c.1852A>G (p.Met618Val)

Gene: DSG2 (desmoglein 2; plus strand). Cytogenetic location: 18q12.1.
Variant type: single nucleotide variant.
Coding change: c.1852A>G on transcript NM_001943.5 (MANE Select); coding-DNA position 1852, A replaced by G.
Protein change: p.Met618Val; replaces methionine 618 with valine.
Molecular consequence: missense variant.
Genome position (GRCh38, 1-based): chr18:31,538,951, A>G. VCF-style: chr18-31538951-A-G. GRCh37 (hg19) VCF-style: chr18-29118914-A-G.
Other names: short protein forms M618V.
Identifiers: ClinVar variation 4758191 (VCV004758191.1).